The following is an entry in ClinVar:

NM_000094.4(COL7A1):c.7018G>A (p.Glu2340Lys)

Gene: COL7A1 (collagen type VII alpha 1 chain; minus strand). Cytogenetic location: 3p21.31.
Variant type: single nucleotide variant.
Coding change: c.7018G>A on transcript NM_000094.4 (MANE Select); coding-DNA position 7018, G replaced by A.
Protein change: p.Glu2340Lys; replaces glutamic acid 2340 with lysine.
Molecular consequence: missense variant.
Genome position (GRCh38, 1-based): chr3:48,572,132, C>T on the plus strand (G>A on the coding strand, the complement: COL7A1 is on the minus strand). VCF-style: chr3-48572132-C-T. GRCh37 (hg19) VCF-style: chr3-48609565-C-T.
Other names: short protein forms E2340K.
Identifiers: ClinVar variation 2890094 (VCV002890094.3), dbSNP rs547936907, ClinGen allele CA73975711.

ClinVar aggregate classification (germline): Uncertain significance. Review status: criteria provided, multiple submitters, no conflicts (2 of 4 stars). 2 submissions from 2 submitters: Uncertain significance (2). Last evaluated 2025-08-24.

Conditions:
Inborn genetic diseases. Identifiers: MedGen C0950123, MeSH D030342.

Allele frequency attached by ClinVar (database versions not stated): gnomAD 0.00002; TOPMed 0.00003; 1000 Genomes Project 30x 0.00016; 1000 Genomes Project 0.00020.
gnomAD v4.1: 10 of 1,614,046 alleles (0.00062%); highest among the groups gnomAD compares: African/African-American, 0.004%; no homozygotes.

Submissions (2):

Ambry Genetics
Classification: Uncertain significance for Inborn genetic diseases. Last evaluated: 2025-08-24. Review status: criteria provided, single submitter. Criteria: Ambry Variant Classification Scheme 2023. Collection method: clinical testing. Allele origin: germline.

Labcorp Genetics (formerly Invitae), Labcorp
Classification: Uncertain significance. Last evaluated: 2023-11-19. Review status: criteria provided, single submitter. Criteria: Invitae Variant Classification Sherloc (09022015). Collection method: clinical testing. Allele origin: germline.
Comment: This sequence change replaces glutamic acid, which is acidic and polar, with lysine, which is basic and polar, at codon 2340 of the COL7A1 protein (p.Glu2340Lys). This variant is not present in population databases (gnomAD no frequency). This variant has not been reported in the literature in individuals affected with COL7A1-related conditions. Advanced modeling of protein sequence and biophysical properties (such as structural, functional, and spatial information, amino acid conservation, physicochemical variation, residue mobility, and thermodynamic stability) has been performed at Invitae for this missense variant, however the output from this modeling did not meet the statistical confidence thresholds required to predict the impact of this variant on COL7A1 protein function. In summary, the available evidence is currently insufficient to determine the role of this variant in disease. Therefore, it has been classified as a Variant of Uncertain Significance.